The following is an entry in ClinVar:

ClinVar aggregate classification (germline): Uncertain significance. Review status: criteria provided, multiple submitters, no conflicts (2 of 4 stars). 3 submissions from 3 submitters: Uncertain significance (3). Last evaluated 2025-04-09.

Conditions:
Cardiovascular phenotype. Identifiers: MedGen CN230736.
Dilated cardiomyopathy 1DD (CMD1DD). Identifiers: Orphanet 154, MedGen C2750995, MONDO:0013168, OMIM 613172.

gnomAD v4.1: 11 of 1,551,678 alleles (0.00071%); highest among the groups gnomAD compares: African/African-American, 0.0014%; no homozygotes.

Submissions (3):

Molecular Diagnostic Laboratory for Inherited Cardiovascular Disease, Montreal Heart Institute
Classification: Uncertain significance for Cardiovascular phenotype. Last evaluated: 2025-04-09. Review status: criteria provided, single submitter. Criteria: ACMG Guidelines, 2015. Collection method: clinical testing. Allele origin: germline. Affected: yes.

Ambry Genetics
Classification: Uncertain significance for Cardiovascular phenotype. Last evaluated: 2025-01-21. Review status: criteria provided, single submitter. Criteria: Ambry Variant Classification Scheme 2023. Collection method: clinical testing. Allele origin: germline.
Comment: The p.R791Q variant (also known as c.2372G>A), located in coding exon 9 of the RBM20 gene, results from a G to A substitution at nucleotide position 2372. The arginine at codon 791 is replaced by glutamine, an amino acid with highly similar properties. This amino acid position is highly conserved in available vertebrate species. In addition, this alteration is predicted to be tolerated by in silico analysis. Based on the available evidence, the clinical significance of this variant remains unclear.

Labcorp Genetics (formerly Invitae), Labcorp
Classification: Uncertain significance for Dilated cardiomyopathy 1DD. Last evaluated: 2024-12-23. Review status: criteria provided, single submitter. Criteria: Invitae Variant Classification Sherloc (09022015). Collection method: clinical testing. Allele origin: germline.
Comment: This sequence change replaces arginine, which is basic and polar, with glutamine, which is neutral and polar, at codon 791 of the RBM20 protein (p.Arg791Gln). This variant is present in population databases (no rsID available, gnomAD 0.002%). This variant has not been reported in the literature in individuals affected with RBM20-related conditions. ClinVar contains an entry for this variant (Variation ID: 2074525). Invitae Evidence Modeling of protein sequence and biophysical properties (such as structural, functional, and spatial information, amino acid conservation, physicochemical variation, residue mobility, and thermodynamic stability) indicates that this missense variant is not expected to disrupt RBM20 protein function with a negative predictive value of 95%. In summary, the available evidence is currently insufficient to determine the role of this variant in disease. Therefore, it has been classified as a Variant of Uncertain Significance.

NM_001134363.3(RBM20):c.2372G>A (p.Arg791Gln)

Gene: RBM20 (RNA binding motif protein 20; plus strand). Cytogenetic location: 10q25.2.
Variant type: single nucleotide variant.
Coding change: c.2372G>A on transcript NM_001134363.3 (MANE Select); coding-DNA position 2372, G replaced by A.
Protein change: p.Arg791Gln; replaces arginine 791 with glutamine.
Molecular consequence: missense variant.
Genome position (GRCh38, 1-based): chr10:110,812,769, G>A. VCF-style: chr10-110812769-G-A. GRCh37 (hg19) VCF-style: chr10-112572527-G-A.
Other names: c.2372G>A (NM_001134363.2); short protein forms R791Q.
Identifiers: ClinVar variation 2074525 (VCV002074525.4), dbSNP rs757091864, ClinGen allele CA213224285.
Genomic context (GRCh38, chr10:110,812,769, plus strand): 5'-ATCTGAAGCAGCAGCAGGATGCCCCCGGGAGGTCCAGGAGGAAAGACGAGGCCAGGCTGC[G>A]GGAAAGCAGACACCCCCATCCGGATGACTCAGGCAAGGAAGATGGGCTGGGGCCAAAGGT-3'
Protein context (NP_001127835.2, residues 781-801): RSRRKDEARL[Arg791Gln]ESRHPHPDDS